The following is an entry in ClinVar:

NM_002397.5(MEF2C):c.248A>T (p.Asp83Val)

Gene: MEF2C (myocyte enhancer factor 2C; minus strand). Cytogenetic location: 5q14.3.
Variant type: single nucleotide variant.
Coding change: c.248A>T on transcript NM_002397.5 (MANE Select); coding-DNA position 248, A replaced by T.
Protein change: p.Asp83Val; replaces aspartic acid 83 with valine.
Molecular consequence: missense variant.
Genome position (GRCh38, 1-based): chr5:88,804,608, T>A on the plus strand (A>T on the coding strand, the complement: MEF2C is on the minus strand). VCF-style: chr5-88804608-T-A. GRCh37 (hg19) VCF-style: chr5-88100425-T-A.
Other names: c.248A>T, p.Asp83Val (NM_001364355.2, NM_001131005.2, NM_001193347.1 and 29 more transcripts); short protein forms D83V.
Identifiers: ClinVar variation 4839388 (VCV004839388.1).
Genomic context (GRCh38, chr5:88,804,608, plus strand): 5'-AAACTCCCCTGCTTGCGGAGGCTTGGGGCTCACCACGCATGCTCTCTCACCTCCACGATG[T>A]CTGAGTTTGTCCGGCTCTCATGCGGCTCGTTGTACTCCGTGTACTTGAGAAGCACTTTGT-3'
Protein context (NP_002388.2, residues 73-93): NEPHESRTNS[Asp83Val]IVETLRKKGL

ClinVar aggregate classification (germline): Uncertain significance (1 of 4 stars; one submission).

Conditions:
Inborn genetic diseases. Identifiers: MedGen C0950123, MeSH D030342.

Submission:

Ambry Genetics
Classification: Uncertain significance for Inborn genetic diseases. Last evaluated: 2026-03-12. Review status: criteria provided, single submitter. Criteria: Ambry Variant Classification Scheme 2023. Collection method: clinical testing. Allele origin: germline.
Comment: The c.248A>T (p.D83V) alteration is located in exon 3 (coding exon 2) of the MEF2C gene. This alteration results from an A to T substitution at nucleotide position 248, causing the aspartic acid (D) at amino acid position 83 to be replaced by a valine (V). This variant was not reported in population-based cohorts in the Genome Aggregation Database (gnomAD). This amino acid position is highly conserved in available vertebrate species. This missense variant is located in a region that has a low rate of benign missense variation (Lek, 2016; Firth, 2009). This alteration is predicted to be deleterious by in silico analysis. Based on insufficient or conflicting evidence, the clinical significance of this alteration remains unclear.